The following is an entry in ClinVar:

ClinVar aggregate classification (germline): Uncertain significance. Review status: criteria provided, multiple submitters, no conflicts (2 of 4 stars). 3 submissions from 3 submitters: Uncertain significance (3). Last evaluated 2025-08-31.

Conditions:
Inborn genetic diseases. Identifiers: MedGen C0950123, MeSH D030342.
Cone-rod dystrophy 6 (CORD6). Also called: Cone dystrophy progressive; RETINAL CONE DYSTROPHY 2. Identifiers: Orphanet 1872, MedGen C1866293, MONDO:0011143, OMIM 601777.
Leber congenital amaurosis 1 (LCA1). Also called: AMAUROSIS CONGENITA OF LEBER I; RETINAL BLINDNESS, CONGENITAL; Congenital absence of the rods and cones; Leber's congenital tapetoretinal degeneration; Leber's congenital tapetoretinal dysplasia. Identifiers: Orphanet 65, MedGen C2931258, MONDO:0008764, OMIM 204000.

Allele frequency attached by ClinVar (database versions not stated): gnomAD exomes 0.00001 and 0.00003; gnomAD 0.00002; TOPMed 0.00002; ExAC 0.00003.
gnomAD v4.1: 18 of 1,613,008 alleles (0.0011%); highest among the groups gnomAD compares: Non-Finnish European, 0.0015%; no homozygotes.

Submissions (3):

Labcorp Genetics (formerly Invitae), Labcorp
Classification: Uncertain significance for Leber congenital amaurosis 1; Cone-rod dystrophy 6. Last evaluated: 2025-08-31. Review status: criteria provided, single submitter. Criteria: Invitae Variant Classification Sherloc (09022015). Collection method: clinical testing. Allele origin: germline.
Comment: This sequence change replaces glutamic acid, which is acidic and polar, with aspartic acid, which is acidic and polar, at codon 586 of the GUCY2D protein (p.Glu586Asp). This variant is present in population databases (rs765906787, gnomAD 0.006%). This variant has not been reported in the literature in individuals affected with GUCY2D-related conditions. ClinVar contains an entry for this variant (Variation ID: 1001309). Invitae Evidence Modeling of protein sequence and biophysical properties (such as structural, functional, and spatial information, amino acid conservation, physicochemical variation, residue mobility, and thermodynamic stability) indicates that this missense variant is not expected to disrupt GUCY2D protein function with a negative predictive value of 80%. In summary, the available evidence is currently insufficient to determine the role of this variant in disease. Therefore, it has been classified as a Variant of Uncertain Significance.

Ambry Genetics
Classification: Uncertain significance for Inborn genetic diseases. Last evaluated: 2025-02-21. Review status: criteria provided, single submitter. Criteria: Ambry Variant Classification Scheme 2023. Collection method: clinical testing. Allele origin: germline.

Blueprint Genetics
Classification: Uncertain significance. Last evaluated: 2023-09-07. Review status: criteria provided, single submitter. Criteria: ACMG Guidelines, 2015. Collection method: clinical testing. Allele origin: germline.

NM_000180.4(GUCY2D):c.1758G>T (p.Glu586Asp)

Gene: GUCY2D (guanylate cyclase 2D, retinal; plus strand). Cytogenetic location: 17p13.1.
Variant type: single nucleotide variant.
Coding change: c.1758G>T on transcript NM_000180.4 (MANE Select); coding-DNA position 1758, G replaced by T.
Protein change: p.Glu586Asp; replaces glutamic acid 586 with aspartic acid.
Molecular consequence: missense variant.
Genome position (GRCh38, 1-based): chr17:8,012,152, G>T. VCF-style: chr17-8012152-G-T. GRCh37 (hg19) VCF-style: chr17-7915470-G-T.
Other names: c.1758G>T (NM_000180.3); short protein forms E586D.
Identifiers: ClinVar variation 1001309 (VCV001001309.10), dbSNP rs765906787, ClinGen allele CA8365892.